The following is an entry in ClinVar:

ClinVar aggregate classification (germline): Uncertain significance (1 of 4 stars; one submission).

Conditions:
Cardiovascular phenotype. Identifiers: MedGen CN230736.

Submission:

Ambry Genetics
Classification: Uncertain significance for Cardiovascular phenotype. Last evaluated: 2026-06-09. Review status: criteria provided, single submitter. Criteria: Ambry Variant Classification Scheme 2023. Collection method: clinical testing. Allele origin: germline.
Comment: The p.N977T variant (also known as c.2930A>C), located in coding exon 8 of the AKAP9 gene, results from an A to C substitution at nucleotide position 2930. The asparagine at codon 977 is replaced by threonine, an amino acid with similar properties. This amino acid position is conserved. In addition, this alteration is predicted to be tolerated by in silico analysis. Based on the available evidence, the clinical significance of this variant remains unclear.

NM_005751.5(AKAP9):c.2930A>C (p.Asn977Thr)

Gene: AKAP9 (A-kinase anchoring protein 9; plus strand). Cytogenetic location: 7q21.2.
Variant type: single nucleotide variant.
Coding change: c.2930A>C on transcript NM_005751.5 (MANE Select); coding-DNA position 2930, A replaced by C.
Protein change: p.Asn977Thr; replaces asparagine 977 with threonine.
Molecular consequence: missense variant.
Genome position (GRCh38, 1-based): chr7:92,002,847, A>C. VCF-style: chr7-92002847-A-C. GRCh37 (hg19) VCF-style: chr7-91632161-A-C.
Other names: c.2930A>C, p.Asn977Thr (NM_147185.3); short protein forms N977T.
Identifiers: ClinVar variation 4869156 (VCV004869156.1).